The following is an entry in ClinVar:

NM_001267550.2(TTN):c.7594+17C>G

Gene: TTN (titin; minus strand). Cytogenetic location: 2q31.2.
Variant type: single nucleotide variant.
Coding change: c.7594+17C>G on transcript NM_001267550.2 (MANE Select); 17 bases into the intron after coding-DNA position 7594, C replaced by G.
Molecular consequence: intron variant.
Genome position (GRCh38, 1-based): chr2:178,773,445, G>C on the plus strand (C>G on the coding strand, the complement: TTN is on the minus strand). VCF-style: chr2-178773445-G-C. GRCh37 (hg19) VCF-style: chr2-179638172-G-C.
Other names: c.7456+17C>G (NM_003319.4, NM_133437.4, NM_133432.3); c.7594+17C>G (NM_133378.4, NM_001256850.1, NM_133379.5).
Identifiers: ClinVar variation 515862 (VCV000515862.10), dbSNP rs141299222, ClinGen allele CA2004787.

ClinVar aggregate classification (germline): Likely benign. Review status: criteria provided, multiple submitters, no conflicts (2 of 4 stars). 3 submissions from 3 submitters: Likely benign (3). Last evaluated 2025-12-10.

Conditions:
Autosomal recessive limb-girdle muscular dystrophy type 2J (LGMDR10). Also called: Limb-girdle muscular dystrophy, type 2J; MUSCULAR DYSTROPHY, LIMB-GIRDLE, AUTOSOMAL RECESSIVE 10. Identifiers: Orphanet 140922, MedGen C1837342, MONDO:0012127, OMIM 608807.
Dilated cardiomyopathy 1G (CMD1G). Identifiers: Orphanet 154, MedGen C1858763, MONDO:0011400, OMIM 604145.

Allele frequency attached by ClinVar (database versions not stated): gnomAD 0.00004 and 0.00007; TOPMed 0.00007; gnomAD exomes 0.00010 and 0.00018; ExAC 0.00019; 1000 Genomes Project 30x 0.00031; 1000 Genomes Project 0.00040.
gnomAD v4.1: 162 of 1,613,864 alleles (0.01%); highest among the groups gnomAD compares: East Asian, 0.27%; no homozygotes.

Submissions (3):

Labcorp Genetics (formerly Invitae), Labcorp
Classification: Likely benign for Dilated cardiomyopathy 1G; Autosomal recessive limb-girdle muscular dystrophy type 2J. Last evaluated: 2025-12-10. Review status: criteria provided, single submitter. Criteria: Invitae Variant Classification Sherloc (09022015). Collection method: clinical testing. Allele origin: germline.

Blueprint Genetics
Classification: Likely benign. Last evaluated: 2024-11-18. Review status: criteria provided, single submitter. Criteria: ACMG Guidelines, 2015. Collection method: clinical testing. Allele origin: germline.

GeneDx
Classification: Likely benign. Last evaluated: 2018-02-26. Review status: criteria provided, single submitter. Criteria: GeneDx Variant Classification (06012015). Collection method: clinical testing. Allele origin: germline. Affected: yes.
Comment: This variant is considered likely benign or benign based on one or more of the following criteria: it is a conservative change, it occurs at a poorly conserved position in the protein, it is predicted to be benign by multiple in silico algorithms, and/or has population frequency not consistent with disease.